The following is an entry in ClinVar:

NM_001145809.2(MYH14):c.6090C>G (p.Ser2030=)

Gene: MYH14 (myosin heavy chain 14; plus strand). Cytogenetic location: 19q13.33.
Variant type: single nucleotide variant.
Coding change: c.6090C>G on transcript NM_001145809.2 (MANE Select); coding-DNA position 6090, C replaced by G.
Protein change: p.Ser2030=; no amino-acid change (serine 2030 retained).
Molecular consequence: synonymous variant.
Genome position (GRCh38, 1-based): chr19:50,309,769, C>G. VCF-style: chr19-50309769-C-G. GRCh37 (hg19) VCF-style: chr19-50813026-C-G.
Other names: c.5991C>G, p.Ser1997= (NM_001077186.2); c.5967C>G, p.Ser1989= (NM_024729.4).
Identifiers: ClinVar variation 3041044 (VCV003041044.2), dbSNP rs2123499782, ClinGen allele CA508184477.

ClinVar aggregate classification (germline): Likely benign (0 of 4 stars; one submission).

Conditions:
MYH14-related disorder. Also called: MYH14-related condition.

Submission:

PreventionGenetics, part of Exact Sciences
Classification: Likely benign for MYH14-related condition. Last evaluated: 2023-12-13. Review status: no assertion criteria provided. Collection method: clinical testing. Allele origin: germline.
Comment: This variant is classified as likely benign based on ACMG/AMP sequence variant interpretation guidelines (Richards et al. 2015 PMID: 25741868, with internal and published modifications).